The following is an entry in ClinVar:

NM_016247.4(IMPG2):c.654G>T (p.Arg218Ser)

Gene: IMPG2 (interphotoreceptor matrix proteoglycan 2; minus strand). Cytogenetic location: 3q12.3.
Variant type: single nucleotide variant.
Coding change: c.654G>T on transcript NM_016247.4 (MANE Select); coding-DNA position 654, G replaced by T.
Protein change: p.Arg218Ser; replaces arginine 218 with serine.
Molecular consequence: missense variant.
Genome position (GRCh38, 1-based): chr3:101,275,675, C>A on the plus strand (G>T on the coding strand, the complement: IMPG2 is on the minus strand). VCF-style: chr3-101275675-C-A. GRCh37 (hg19) VCF-style: chr3-100994519-C-A.
Other names: short protein forms R218S.
Identifiers: ClinVar variation 1920339 (VCV001920339.5), dbSNP rs752071608, ClinGen allele CA2519418.
Genomic context (GRCh38, chr3:101,275,675, plus strand): 5'-TCTATGTTCCATGTTAGAAACTAACTAACAAAACAGAGCATCACTCACACTCTCCTCTGG[C>A]CTTTCCAAGCTGCTCTCTGAGGCACCTTCATAGGCGTCCACCTCTGGATGTGGAACACTG-3'
Protein context (NP_057331.2, residues 208-228): YEGASESSLE[Arg218Ser]PEESISNEIE

ClinVar aggregate classification (germline): Uncertain significance (1 of 4 stars; one submission).

gnomAD v4.1: 14 of 1,612,194 alleles (0.00087%); highest among the groups gnomAD compares: Admixed American, 0.0017%; no homozygotes.

Submission:

Labcorp Genetics (formerly Invitae), Labcorp
Classification: Uncertain significance. Last evaluated: 2022-07-20. Review status: criteria provided, single submitter. Criteria: Invitae Variant Classification Sherloc (09022015). Collection method: clinical testing. Allele origin: germline.
Comment: In summary, the available evidence is currently insufficient to determine the role of this variant in disease. Therefore, it has been classified as a Variant of Uncertain Significance. Algorithms developed to predict the effect of missense changes on protein structure and function output the following: SIFT: "Tolerated"; PolyPhen-2: "Benign"; Align-GVGD: "Class C0". The serine amino acid residue is found in multiple mammalian species, which suggests that this missense change does not adversely affect protein function. This variant has not been reported in the literature in individuals affected with IMPG2-related conditions. This variant is present in population databases (rs752071608, gnomAD 0.003%). This sequence change replaces arginine, which is basic and polar, with serine, which is neutral and polar, at codon 218 of the IMPG2 protein (p.Arg218Ser).